The following is an entry in ClinVar:

ClinVar aggregate classification (germline): Likely benign. Review status: criteria provided, multiple submitters, no conflicts (2 of 4 stars). 2 submissions from 2 submitters: Likely benign (2). Last evaluated 2025-02-13.

Conditions:
TUBA4A-related disorder. Also called: TUBA4A-related condition.

Submissions (2):

PreventionGenetics, part of Exact Sciences
Classification: Likely benign for TUBA4A-related condition. Last evaluated: 2025-02-13. Review status: criteria provided, single submitter. Criteria: ACMG Guidelines, 2015. Collection method: clinical testing. Allele origin: germline.
Comment: This variant is classified as likely benign based on ACMG/AMP sequence variant interpretation guidelines (Richards et al. 2015 PMID: 25741868, with internal and published modifications).

Blueprint Genetics
Classification: Likely benign. Last evaluated: 2023-07-26. Review status: criteria provided, single submitter. Criteria: ACMG Guidelines, 2015. Collection method: clinical testing. Allele origin: germline.

NM_006000.3(TUBA4A):c.840G>A (p.Lys280=)

Gene: TUBA4A (tubulin alpha 4a; minus strand). Cytogenetic location: 2q35.
Variant type: single nucleotide variant.
Coding change: c.840G>A on transcript NM_006000.3 (MANE Select); coding-DNA position 840, G replaced by A.
Protein change: p.Lys280=; no amino-acid change (lysine 280 retained).
Molecular consequence: synonymous variant.
Genome position (GRCh38, 1-based): chr2:219,250,859, C>T on the plus strand (G>A on the coding strand, the complement: TUBA4A is on the minus strand). VCF-style: chr2-219250859-C-T. GRCh37 (hg19) VCF-style: chr2-220115581-C-T.
Other names: c.840G>A (NM_006000.2); c.795G>A, p.Lys265= (NM_001278552.2).
Identifiers: ClinVar variation 4959958 (VCV004959958.2).